The following is an entry in ClinVar:

ClinVar aggregate classification (germline): Uncertain significance. Review status: criteria provided, multiple submitters, no conflicts (2 of 4 stars). 3 submissions from 3 submitters: Uncertain significance (3). Last evaluated 2025-04-03.

Conditions:
CHARGE syndrome (CHARGE). Also called: Hittner Hirsch Kreh syndrome; CHARGE ASSOCIATION--COLOBOMA, HEART ANOMALY, CHOANAL ATRESIA, RETARDATION, GENITAL AND EAR ANOMALIES; Coloboma, heart anomaly, choanal atresia, retardation, genital and ear anomalies; CHARGE association; Hall-Hittner syndrome. Identifiers: Orphanet 138, MedGen C0265354, MONDO:0008965.
Inborn genetic diseases. Identifiers: MedGen C0950123, MeSH D030342.

Allele frequency attached by ClinVar (database versions not stated): gnomAD exomes below 0.00001.
gnomAD v4.1: 2 of 1,595,034 alleles (0.00013%); highest among the groups gnomAD compares: African/African-American, 0.0013%; no homozygotes.

Submissions (3):

Ambry Genetics
Classification: Uncertain significance for Inborn genetic diseases. Last evaluated: 2025-04-03. Review status: criteria provided, single submitter. Criteria: Ambry Variant Classification Scheme 2023. Collection method: clinical testing. Allele origin: germline.

Labcorp Genetics (formerly Invitae), Labcorp
Classification: Uncertain significance for CHARGE syndrome. Last evaluated: 2025-02-10. Review status: criteria provided, single submitter. Criteria: Invitae Variant Classification Sherloc (09022015). Collection method: clinical testing. Allele origin: germline.
Comment: This sequence change replaces glutamine, which is neutral and polar, with lysine, which is basic and polar, at codon 627 of the CHD7 protein (p.Gln627Lys). This variant is not present in population databases (gnomAD no frequency). This variant has not been reported in the literature in individuals affected with CHD7-related conditions. ClinVar contains an entry for this variant (Variation ID: 2185986). Invitae Evidence Modeling of protein sequence and biophysical properties (such as structural, functional, and spatial information, amino acid conservation, physicochemical variation, residue mobility, and thermodynamic stability) indicates that this missense variant is not expected to disrupt CHD7 protein function with a negative predictive value of 95%. In summary, the available evidence is currently insufficient to determine the role of this variant in disease. Therefore, it has been classified as a Variant of Uncertain Significance.

Blueprint Genetics
Classification: Uncertain significance. Last evaluated: 2023-02-28. Review status: criteria provided, single submitter. Criteria: ACMG Guidelines, 2015. Collection method: clinical testing. Allele origin: germline.

NM_017780.4(CHD7):c.1879C>A (p.Gln627Lys)

Genes: CHD7 (chromodomain helicase DNA binding protein 7; plus strand), LOC126860403 (CDK7 strongly-dependent group 2 enhancer GRCh37_chr8:61693034-61694233; plus strand). Cytogenetic location: 8q12.2.
Variant type: single nucleotide variant.
Coding change: c.1879C>A on transcript NM_017780.4 (MANE Select); coding-DNA position 1879, C replaced by A.
Protein change: p.Gln627Lys; replaces glutamine 627 with lysine.
Molecular consequence: missense variant. On other transcripts: intron variant (1).
Genome position (GRCh38, 1-based): chr8:60,781,213, C>A. VCF-style: chr8-60781213-C-A. GRCh37 (hg19) VCF-style: chr8-61693772-C-A.
Other names: c.1716+163C>A (NM_001316690.1); c.1879C>A (NM_017780.3); short protein forms Q627K.
Identifiers: ClinVar variation 2185986 (VCV002185986.6), dbSNP rs865818198, ClinGen allele CA177334888.